The following is an entry in ClinVar:

NM_000466.3(PEX1):c.1007T>C (p.Val336Ala)

Gene: PEX1 (peroxisomal biogenesis factor 1; minus strand). Cytogenetic location: 7q21.2.
Variant type: single nucleotide variant.
Coding change: c.1007T>C on transcript NM_000466.3 (MANE Select); coding-DNA position 1007, T replaced by C.
Protein change: p.Val336Ala; replaces valine 336 with alanine.
Molecular consequence: missense variant.
Genome position (GRCh38, 1-based): chr7:92,517,508, A>G on the plus strand (T>C on the coding strand, the complement: PEX1 is on the minus strand). VCF-style: chr7-92517508-A-G. GRCh37 (hg19) VCF-style: chr7-92146822-A-G.
Other names: c.1007T>C, p.Val336Ala (NM_001282677.2); c.383T>C, p.Val128Ala (NM_001282678.2); short protein forms V128A, V336A.
Identifiers: ClinVar variation 4985246 (VCV004985246.1).

ClinVar aggregate classification (germline): Uncertain significance (1 of 4 stars; one submission).

Conditions:
PEX1-related disorder. Also called: PEX1-related condition.

gnomAD v4.1: 3 of 1,614,026 alleles (0.00019%); highest among the groups gnomAD compares: Non-Finnish European, 0.00025%; no homozygotes.

Submission:

PreventionGenetics, part of Exact Sciences
Classification: Uncertain significance for PEX1-related condition. Last evaluated: 2025-08-28. Review status: criteria provided, single submitter. Criteria: ACMG Guidelines, 2015. Collection method: clinical testing. Allele origin: germline.
Comment: The PEX1 c.1007T>C variant is predicted to result in the amino acid substitution p.Val336Ala. To our knowledge, this variant has not been reported in the literature or in a large population database, indicating this variant is rare. At this time, the clinical significance of this variant is uncertain due to the absence of conclusive functional and genetic evidence.